The following is an entry in ClinVar:

ClinVar aggregate classification (germline): Uncertain significance (1 of 4 stars; one submission).

Conditions:
Autosomal dominant Alport syndrome (ATS3A). Also called: ALPORT SYNDROME 3A, AUTOSOMAL DOMINANT; Alport syndrome dominant type; Renal failure and sensorineural hearing loss. Identifiers: Orphanet 63, Orphanet 88918, MedGen C5882663, MONDO:0007086, OMIM 104200.

Submission:

MVZ Medizinische Genetik Mainz
Classification: Uncertain significance for Autosomal dominant Alport syndrome. Last evaluated: 2025-07-25. Review status: criteria provided, single submitter. Criteria: UK Practice Guidelines For Variant Classification V4 01 2020. Collection method: clinical testing. Allele origin: germline. Inheritance: Autosomal dominant inheritance. Affected: yes. Observed: 1 variant allele.
Comment: ACMG Criteria: PS1_SUP,PM2_SUP,PP3,PP4

NM_000091.5(COL4A3):c.441G>C (p.Pro147=)

Genes: COL4A3 (collagen type IV alpha 3 chain; plus strand), MFF-DT (MFF divergent transcript; minus strand). Cytogenetic location: 2q36.3.
Variant type: single nucleotide variant.
Coding change: c.441G>C on transcript NM_000091.5 (MANE Select); coding-DNA position 441, G replaced by C.
Protein change: p.Pro147=; no amino-acid change (proline 147 retained).
Molecular consequence: synonymous variant.
Genome position (GRCh38, 1-based): chr2:227,246,738, G>C. VCF-style: chr2-227246738-G-C. GRCh37 (hg19) VCF-style: chr2-228111454-G-C.
Identifiers: ClinVar variation 4077065 (VCV004077065.1).
Genomic context (GRCh38, chr2:227,246,738, plus strand): 5'-CTTTTAGGGTGAGCAGGGGTTTCCAGGACTCCCAGGGACACTGGGCTACCCAGGGATCCC[G>C]GTAGGTTTGCATGCCTAATTCCCCAACAAAGACATAAAGTATAAATAACAGTGGTCTACT-3'
Protein context (NP_000082.2, residues 137-157): LPGTLGYPGI[Pro147=]GAAGLKGQKG